The following is an entry in ClinVar:

ClinVar aggregate classification (germline): Likely benign (1 of 4 stars; one submission).

Conditions:
Agenesis of the corpus callosum with peripheral neuropathy (ACCPN). Also called: CHARLEVOIX DISEASE; POLYNEUROPATHY, SENSORIMOTOR, WITH OR WITHOUT AGENESIS OF THE CORPUS CALLOSUM; HMSN/ACC; Hereditary Motor and Sensory Neuropathy with Agenesis of the Corpus Callosum. Identifiers: Orphanet 1496, MedGen C0795950, MONDO:0000902, OMIM 218000. Disease mechanism: loss of function.

Allele frequency attached by ClinVar (database versions not stated): gnomAD 0.00296; 1000 Genomes Project 0.00319; 1000 Genomes Project 30x 0.00328; TOPMed 0.00354.

Submission:

Illumina Laboratory Services, Illumina
Classification: Likely benign for Agenesis of the corpus callosum with peripheral neuropathy. Last evaluated: 2018-01-13. Review status: criteria provided, single submitter. Criteria: ICSL Variant Classification Criteria 13 December 2019. Collection method: clinical testing. Allele origin: germline.
Comment: This variant was observed in the ICSL laboratory as part of a predisposition screen in an ostensibly healthy population. It had not been previously curated by ICSL or reported in the Human Gene Mutation Database (HGMD: prior to June 1st, 2018), and was therefore a candidate for classification through an automated scoring system. Utilizing variant allele frequency, disease prevalence and penetrance estimates, and inheritance mode, an automated score was calculated to assess if this variant is too frequent to cause the disease. Based on the score and internal cut-off values, a variant classified as likely benign is not then subjected to further curation. The score for this variant resulted in a classification of likely benign for this disease.

NM_001365088.1(SLC12A6):c.*3388G>C

Gene: SLC12A6 (solute carrier family 12 member 6; minus strand). Cytogenetic location: 15q14.
Variant type: single nucleotide variant.
Coding change: c.*3388G>C on transcript NM_001365088.1 (MANE Select); 3388 bases downstream of the stop codon, G replaced by C.
Molecular consequence: 3 prime UTR variant.
Genome position (GRCh38, 1-based): chr15:34,230,493, C>G on the plus strand (G>C on the coding strand, the complement: SLC12A6 is on the minus strand). VCF-style: chr15-34230493-C-G. GRCh37 (hg19) VCF-style: chr15-34522694-C-G.
Other names: c.*3388G>C (NM_001042494.2, NM_001042495.2, NM_001042496.2 and 3 more transcripts).
Identifiers: ClinVar variation 315552 (VCV000315552.5), dbSNP rs189231487, ClinGen allele CA10646756.